The following is an entry in ClinVar:

NM_001009944.3(PKD1):c.9573C>G (p.Leu3191=)

Gene: PKD1 (polycystin 1, transient receptor potential channel interacting; minus strand). Cytogenetic location: 16p13.3.
Variant type: single nucleotide variant.
Coding change: c.9573C>G on transcript NM_001009944.3 (MANE Select); coding-DNA position 9573, C replaced by G.
Protein change: p.Leu3191=; no amino-acid change (leucine 3191 retained).
Molecular consequence: synonymous variant.
Genome position (GRCh38, 1-based): chr16:2,100,305, G>C on the plus strand (C>G on the coding strand, the complement: PKD1 is on the minus strand). VCF-style: chr16-2100305-G-C. GRCh37 (hg19) VCF-style: chr16-2150306-G-C.
Other names: p.Leu3191=; c.9573C>G, p.Leu3191= (NM_000296.4).
Identifiers: ClinVar variation 997344 (VCV000997344.3), dbSNP rs535771951, ClinGen allele CA7830003.

ClinVar aggregate classification (germline): Likely benign. Review status: criteria provided, multiple submitters, no conflicts (2 of 4 stars). 3 submissions from 3 submitters: Likely benign (2). 1 of the submissions does not count toward it. Last evaluated 2025-05-28.

Conditions:
Polycystic kidney disease. Also called: Polycystic kidney dysplasia; Kidney, Polycystic. Identifiers: MedGen C0022680, MeSH D007690, MONDO:0020642, HP:0000113.
Polycystic kidney disease, adult type (PKD1). Also called: POLYCYSTIC KIDNEY DISEASE, ADULT, TYPE I; Polycystic Kidney Disease 1, Autosomal Dominant; Polycystic kidney disease 1; Polycystic kidney disease 1, severe; Polycystic Kidney, Autosomal Dominant; POLYCYSTIC KIDNEY DISEASE 1 WITH OR WITHOUT POLYCYSTIC LIVER DISEASE. Identifiers: MedGen C3149841, MONDO:0008263, OMIM 173900.

Allele frequency attached by ClinVar (database versions not stated): TOPMed 0.00003; gnomAD 0.00004 and 0.00005; ExAC 0.00010; gnomAD exomes 0.00011; 1000 Genomes Project 0.00020; 1000 Genomes Project 30x 0.00031.
gnomAD v4.1: 105 of 1,610,568 alleles (0.0065%); highest among the groups gnomAD compares: Middle Eastern, 0.023%; no homozygotes.

Submissions (3):

Mayo Clinic Laboratories, Mayo Clinic
Classification: Likely benign. Last evaluated: 2025-05-28. Review status: criteria provided, single submitter. Criteria: ACMG Guidelines, 2015. Collection method: clinical testing. Allele origin: germline. Observed: 2 variant alleles.
Comment: BS1, BP4, BP7

Fulgent Genetics
Classification: Likely benign for Polycystic kidney disease, adult type. Last evaluated: 2021-07-21. Review status: criteria provided, single submitter. Criteria: ACMG Guidelines, 2015. Collection method: clinical testing. Allele origin: unknown.

Department of Pathology and Laboratory Medicine, Sinai Health System
Classification: Likely benign for Polycystic Kidney disease. Review status: no assertion criteria provided. Collection method: clinical testing. Allele origin: unknown. Affected: yes. Study: The Canadian Open Genetics Repository (COGR). Not counted in ClinVar's aggregate classification.
Comment: The PKD1 p.Leu3191= variant was not identified in the literature nor was it identified in the ClinVar, GeneInsight-COGR, LOVD 3.0, and PKD1-LOVD databases. The variant was not identified in the NHLBI GO Exome Sequencing Project. The variant was identified in dbSNP (ID: rs535771951) as â€šÃ„ÃºNAâ€šÃ„Ã¹, in the ADPKD Mutation database X1 as likely neutral and in the 1000 Genomes Project in 1 of 5000 chromosomes (frequency: 0.0002). The variant was further identified in control databases in 27 of 275560 chromosomes at a frequency of 0.0001 increasing the likelihood this could be a low frequency benign variant (Genome Aggregation Database Feb 27, 2017). Breakdown of the observations by population include African in 2 of 23650 chromosomes (freq: 0.00009), Latino in 3 of 34402 chromosomes (freq: 0.00009), European Non-Finnish in 21 of 125610 chromosomes (freq: 0.0002), and South Asian in 1 of 30764 chromosomes (freq: 0.00003), while the variant was not observed in the Other, Ashkenazi Jewish, East Asian, European Finnish, populations. In addition we cannot be certain that data from control databases is specific to PKD1 and not from one of the six PKD1 pseudogenes. The p.Leu3191= variant is not expected to have clinical significance because it does not result in a change of amino acid and is not located in a known consensus splice site. In addition, in silico or computational prediction software programs (SpliceSiteFinder, MaxEntScan, NNSPLICE, GeneSplicer, HumanSpliceFinder) do not predict a difference in splicing. The variant occurs outside of the splicing consensus sequence and in silico or computational prediction software programs (SpliceSiteFinder, MaxEntScan, NNSPLICE, GeneSplicer, HumanSpliceFinder) do not predict a difference in splicing. In summary, based on the above information the clinical significance of this variant cannot be determined with certainty at this time although we would lean towards a more benign role for this variant. This variant is classified as likely benign.